The following is an entry in ClinVar:

NM_000693.4(ALDH1A3):c.953C>A (p.Ser318Tyr)

Genes: ALDH1A3 (aldehyde dehydrogenase 1 family member A3; plus strand), ALDH1A3-AS1 (ALDH1A3 antisense RNA 1; minus strand). Cytogenetic location: 15q26.3.
Variant type: single nucleotide variant.
Coding change: c.953C>A on transcript NM_000693.4 (MANE Select); coding-DNA position 953, C replaced by A.
Protein change: p.Ser318Tyr; replaces serine 318 with tyrosine.
Molecular consequence: missense variant.
Genome position (GRCh38, 1-based): chr15:100,900,644, C>A. VCF-style: chr15-100900644-C-A. GRCh37 (hg19) VCF-style: chr15-101440849-C-A.
Other names: c.632C>A, p.Ser211Tyr (NM_001293815.2); short protein forms S211Y, S318Y.
Identifiers: ClinVar variation 1803001 (VCV001803001.2), dbSNP rs2505562599, ClinGen allele CA393944545.

ClinVar aggregate classification (germline): Uncertain significance (1 of 4 stars; one submission).

Conditions:
Isolated microphthalmia 8. Identifiers: Orphanet 2542, MedGen C3554524, MONDO:0014050, OMIM 615113.

Submission:

Molecular Genetics of Human Eye Development, Oxford Brookes University
Classification: Uncertain significance for Isolated microphthalmia 8. Last evaluated: 2022-09-01. Review status: criteria provided, single submitter. Criteria: ACMG Guidelines, 2015. Collection method: clinical testing. Allele origin: inherited. Affected: yes. Observed: 1 variant allele.
Comment: compound heterozygous with NM_000693.4:c.847_849del